The following is an entry in ClinVar:

ClinVar aggregate classification (germline): Conflicting classifications of pathogenicity. Review status: criteria provided, conflicting classifications (1 of 4 stars). 3 submissions from 3 submitters: Uncertain significance (1); Likely benign (2). Last evaluated 2025-01-30.

Conditions:
Landau-Kleffner syndrome (FESD). Also called: APHASIA, ACQUIRED, WITH EPILEPSY; EPILEPSY, FOCAL, WITH SPEECH DISORDER AND WITH OR WITHOUT MENTAL RETARDATION. Identifiers: Orphanet 1945, Orphanet 725, Orphanet 98818, MedGen C0282512, MONDO:0009509, OMIM 245570.

Allele frequency attached by ClinVar (database versions not stated): gnomAD 0.00003 and 0.00002; TOPMed 0.00003; gnomAD exomes 0.00002; ExAC 0.00003; ESP Exome Variant Server 0.00015.
gnomAD v4.1: 52 of 1,614,130 alleles (0.0032%); highest among the groups gnomAD compares: Middle Eastern, 0.016%; no homozygotes.

Submissions (3):

Mayo Clinic Laboratories, Mayo Clinic
Classification: Likely benign. Last evaluated: 2025-01-30. Review status: criteria provided, single submitter. Criteria: ACMG Guidelines, 2015. Collection method: clinical testing. Allele origin: germline. Observed: 1 variant allele.
Comment: BS2, BP4_moderate

Labcorp Genetics (formerly Invitae), Labcorp
Classification: Likely benign for Landau-Kleffner syndrome. Last evaluated: 2023-10-16. Review status: criteria provided, single submitter. Criteria: Invitae Variant Classification Sherloc (09022015). Collection method: clinical testing. Allele origin: germline.

CeGaT Center for Human Genetics Tuebingen
Classification: Uncertain significance. Last evaluated: 2019-08-01. Review status: criteria provided, single submitter. Criteria: CeGaT Center For Human Genetics Tuebingen Variant Classification Criteria Version 2. Collection method: clinical testing. Allele origin: germline. Affected: yes. Observed: 1 variant allele.

NM_001134407.3(GRIN2A):c.3532C>A (p.Leu1178Ile)

Gene: GRIN2A (glutamate ionotropic receptor NMDA type subunit 2A; minus strand). Cytogenetic location: 16p13.2.
Variant type: single nucleotide variant.
Coding change: c.3532C>A on transcript NM_001134407.3 (MANE Select); coding-DNA position 3532, C replaced by A.
Protein change: p.Leu1178Ile; replaces leucine 1178 with isoleucine.
Molecular consequence: missense variant.
Genome position (GRCh38, 1-based): chr16:9,764,012, G>T on the plus strand (C>A on the coding strand, the complement: GRIN2A is on the minus strand). VCF-style: chr16-9764012-G-T. GRCh37 (hg19) VCF-style: chr16-9857869-G-T.
Other names: p.Leu1178Ile; c.3532C>A, p.Leu1178Ile (NM_000833.5, NM_001134408.2); short protein forms L1178I.
Identifiers: ClinVar variation 871805 (VCV000871805.47), dbSNP rs377152953, ClinGen allele CA7896296.
Genomic context (GRCh38, chr16:9,764,012, plus strand): 5'-AACCCTTGTCTTTCAAGGTGAAGTGCTTGGAGTAGAGTTTATACTGGTCGTTGTTGGAAA[G>T]CCCCTCTTCATTATGCAAGGGGTTCCGGTTCATTGGCAGCGTGGAGTCCCCCTTGCGGAA-3'
Protein context (NP_001127879.1, residues 1168-1188): NRNPLHNEEG[Leu1178Ile]SNNDQYKLYS